The following is an entry in ClinVar:

NM_000342.4(SLC4A1):c.556C>T (p.Gln186Ter)

Gene: SLC4A1 (solute carrier family 4 member 1 (Diego blood group); minus strand). Cytogenetic location: 17q21.31.
Variant type: single nucleotide variant.
Coding change: c.556C>T on transcript NM_000342.4 (MANE Select); coding-DNA position 556, C replaced by T.
Protein change: p.Gln186Ter; replaces glutamine 186 with a stop codon.
Molecular consequence: nonsense.
Genome position (GRCh38, 1-based): chr17:44,259,862, G>A on the plus strand (C>T on the coding strand, the complement: SLC4A1 is on the minus strand). VCF-style: chr17-44259862-G-A. GRCh37 (hg19) VCF-style: chr17-42337230-G-A.
Other names: p.Gln186*; short protein forms Q186*.
Identifiers: ClinVar variation 1705968 (VCV001705968.7), dbSNP rs756316460, ClinGen allele CA8600561.
Genomic context (GRCh38, chr17:44,259,862, plus strand): 5'-GACTCACCTGCTCACAGAAGAGCTGTGTCTCCAGTGAGGAGTGTTGGGGGAGCAGAGGCT[G>A]TGAAGGATCCCCAGAGCGTGTCAGGACTGCAGGCTTCACACCCCCCAGGGCCTCCAGCTC-3'

ClinVar aggregate classification (germline): Likely pathogenic. Review status: criteria provided, multiple submitters, no conflicts (2 of 4 stars). 2 submissions from 2 submitters: Likely pathogenic (2). Last evaluated 2021-12-27.

Allele frequency attached by ClinVar (database versions not stated): gnomAD exomes below 0.00001; ExAC 0.00001.
gnomAD v4.1: 1 of 1,614,082 alleles (0.000062%); highest among the groups gnomAD compares: African/African-American, 0.0013%; no homozygotes.

Submissions (2):

Revvity Omics, Revvity
Classification: Likely pathogenic. Last evaluated: 2021-12-27. Review status: criteria provided, single submitter. Criteria: ACMG Guidelines, 2015. Collection method: clinical testing. Allele origin: germline.

Mayo Clinic Laboratories, Mayo Clinic
Classification: Likely pathogenic. Last evaluated: 2021-11-26. Review status: criteria provided, single submitter. Criteria: ACMG Guidelines, 2015. Collection method: clinical testing. Allele origin: germline.
Comment: PM2, PVS1

Literature cited by the submitters: PubMed 30192042 (cited by Mayo Clinic Laboratories, Mayo Clinic).